The following is an entry in ClinVar:

ClinVar aggregate classification (germline): Uncertain significance (1 of 4 stars; one submission).

Submission:

Ambry Genetics
Classification: Uncertain significance. Last evaluated: 2025-10-15. Review status: criteria provided, single submitter. Criteria: Ambry Variant Classification Scheme 2023. Collection method: clinical testing. Allele origin: germline.
Comment: The p.H646P variant (also known as c.1937A>C), located in coding exon 19 of the SRP72 gene, results from an A to C substitution at nucleotide position 1937. The histidine at codon 646 is replaced by proline, an amino acid with similar properties. This amino acid position is conserved. In addition, the in silico prediction for this alteration is inconclusive. Based on the available evidence, the clinical significance of this variant remains unclear.

NM_006947.4(SRP72):c.1937A>C (p.His646Pro)

Gene: SRP72 (signal recognition particle 72; plus strand). Cytogenetic location: 4q12.
Variant type: single nucleotide variant.
Coding change: c.1937A>C on transcript NM_006947.4 (MANE Select); coding-DNA position 1937, A replaced by C.
Protein change: p.His646Pro; replaces histidine 646 with proline.
Molecular consequence: missense variant. On other transcripts: non-coding transcript variant (1).
Genome position (GRCh38, 1-based): chr4:56,501,782, A>C. VCF-style: chr4-56501782-A-C. GRCh37 (hg19) VCF-style: chr4-57367948-A-C.
Other names: c.1754A>C, p.His585Pro (NM_001267722.2); short protein forms H646P, H585P.
Identifiers: ClinVar variation 4589604 (VCV004589604.1).